The following is an entry in ClinVar:

NM_002691.4(POLD1):c.928T>G (p.Leu310Val)

Gene: POLD1 (DNA polymerase delta 1, catalytic subunit; plus strand). Cytogenetic location: 19q13.33.
Variant type: single nucleotide variant.
Coding change: c.928T>G on transcript NM_002691.4 (MANE Select); coding-DNA position 928, T replaced by G.
Protein change: p.Leu310Val; replaces leucine 310 with valine.
Molecular consequence: missense variant. On other transcripts: non-coding transcript variant (1).
Genome position (GRCh38, 1-based): chr19:50,402,699, T>G. VCF-style: chr19-50402699-T-G. GRCh37 (hg19) VCF-style: chr19-50905956-T-G.
Other names: c.928T>G, p.Leu310Val (NM_001256849.1, NM_001308632.1); short protein forms L310V.
Identifiers: ClinVar variation 662158 (VCV000662158.12), dbSNP rs368035758, ClinGen allele CA9595955.

ClinVar aggregate classification (germline): Uncertain significance. Review status: criteria provided, multiple submitters, no conflicts (2 of 4 stars). 3 submissions from 3 submitters: Uncertain significance (3). Last evaluated 2025-11-10.

Conditions:
Hereditary cancer-predisposing syndrome. Also called: Hereditary neoplastic syndrome; Tumor predisposition; Hereditary Cancer Syndrome; Neoplastic Syndromes, Hereditary. Identifiers: Orphanet 140162, MedGen C0027672, MeSH D009386, MONDO:0015356.
POLD1-related polyposis and colorectal cancer syndrome (CRCS10). Also called: Colorectal cancer, susceptibility to, 10; Colorectal cancer 10; COLORECTAL CANCER, SUSCEPTIBILITY TO, ON CHROMOSOME 19q. Identifiers: Orphanet 220460, MedGen C2675481, MONDO:0012953, OMIM 612591.

Allele frequency attached by ClinVar (database versions not stated): gnomAD exomes below 0.00001; ExAC 0.00001; TOPMed 0.00002; ESP Exome Variant Server 0.00008.

Submissions (3):

Labcorp Genetics (formerly Invitae), Labcorp
Classification: Uncertain significance for POLD1-related polyposis and colorectal cancer syndrome. Last evaluated: 2025-11-10. Review status: criteria provided, single submitter. Criteria: Invitae Variant Classification Sherloc (09022015). Collection method: clinical testing. Allele origin: germline.
Comment: This sequence change replaces leucine, which is neutral and non-polar, with valine, which is neutral and non-polar, at codon 310 of the POLD1 protein (p.Leu310Val). This variant is present in population databases (rs368035758, gnomAD 0.007%). This variant has not been reported in the literature in individuals affected with POLD1-related conditions. ClinVar contains an entry for this variant (Variation ID: 662158). Invitae Evidence Modeling of protein sequence and biophysical properties (such as structural, functional, and spatial information, amino acid conservation, physicochemical variation, residue mobility, and thermodynamic stability) indicates that this missense variant is not expected to disrupt POLD1 protein function with a negative predictive value of 80%. In summary, the available evidence is currently insufficient to determine the role of this variant in disease. Therefore, it has been classified as a Variant of Uncertain Significance.

GeneDx
Classification: Uncertain significance. Last evaluated: 2022-02-04. Review status: criteria provided, single submitter. Criteria: GeneDx Variant Classification Process June 2021. Collection method: clinical testing. Allele origin: germline. Affected: yes.
Comment: Not observed at significant frequency in large population cohorts (gnomAD); In silico analysis supports that this missense variant does not alter protein structure/function; Has not been previously published as pathogenic or benign to our knowledge; This variant is associated with the following publications: (PMID: 20951805)

Ambry Genetics
Classification: Uncertain significance for Hereditary cancer-predisposing syndrome. Last evaluated: 2021-11-16. Review status: criteria provided, single submitter. Criteria: Ambry Variant Classification Scheme 2023. Collection method: clinical testing. Allele origin: germline.
Comment: The p.L310V variant (also known as c.928T>G), located in coding exon 7 of the POLD1 gene, results from a T to G substitution at nucleotide position 928. The leucine at codon 310 is replaced by valine, an amino acid with highly similar properties. This amino acid position is conserved. In addition, this alteration is predicted to be tolerated by in silico analysis. Since supporting evidence is limited at this time, the clinical significance of this alteration remains unclear.